The following is an entry in ClinVar:

NM_002227.4(JAK1):c.1099T>A (p.Ser367Thr)

Gene: JAK1 (Janus kinase 1; minus strand). Cytogenetic location: 1p31.3.
Variant type: single nucleotide variant.
Coding change: c.1099T>A on transcript NM_002227.4 (MANE Select); coding-DNA position 1099, T replaced by A.
Protein change: p.Ser367Thr; replaces serine 367 with threonine.
Molecular consequence: missense variant.
Genome position (GRCh38, 1-based): chr1:64,864,864, A>T on the plus strand (T>A on the coding strand, the complement: JAK1 is on the minus strand). VCF-style: chr1-64864864-A-T. GRCh37 (hg19) VCF-style: chr1-65330547-A-T.
Other names: c.1099T>A, p.Ser367Thr (NM_001321852.2, NM_001321853.2, NM_001321854.2 and 4 more transcripts); short protein forms S367T.
Identifiers: ClinVar variation 3531246 (VCV003531246.3).
Genomic context (GRCh38, chr1:64,864,864, plus strand): 5'-GCTTGTTAATGCTGACCACAGACTCCTTTATTACAATGTGAGTGATTTCAGGGAAGTAAG[A>T]AAAATTGTTCCACTCTTCCCGGATCTTGTTTTTCTCCTCATCCTTCTTGTGTTTATTTTC-3'
Protein context (NP_002218.2, residues 357-377): NKIREEWNNF[Ser367Thr]YFPEITHIVI

ClinVar aggregate classification (germline): Uncertain significance. Review status: criteria provided, multiple submitters, no conflicts (2 of 4 stars). 2 submissions from 2 submitters: Uncertain significance (2). Last evaluated 2024-11-02.

Conditions:
Inborn genetic diseases. Identifiers: MedGen C0950123, MeSH D030342.

gnomAD v4.1: 6 of 1,613,730 alleles (0.00037%); highest among the groups gnomAD compares: African/African-American, 0.0067%; no homozygotes.

Submissions (2):

Labcorp Genetics (formerly Invitae), Labcorp
Classification: Uncertain significance. Last evaluated: 2024-11-02. Review status: criteria provided, single submitter. Criteria: Invitae Variant Classification Sherloc (09022015). Collection method: clinical testing. Allele origin: germline.
Comment: This sequence change replaces serine, which is neutral and polar, with threonine, which is neutral and polar, at codon 367 of the JAK1 protein (p.Ser367Thr). This variant is present in population databases (rs780665296, gnomAD 0.007%). This variant has not been reported in the literature in individuals affected with JAK1-related conditions. Invitae Evidence Modeling of protein sequence and biophysical properties (such as structural, functional, and spatial information, amino acid conservation, physicochemical variation, residue mobility, and thermodynamic stability) indicates that this missense variant is expected to disrupt JAK1 protein function with a positive predictive value of 80%. In summary, the available evidence is currently insufficient to determine the role of this variant in disease. Therefore, it has been classified as a Variant of Uncertain Significance.

Ambry Genetics
Classification: Uncertain significance for Inborn genetic diseases. Last evaluated: 2024-07-16. Review status: criteria provided, single submitter. Criteria: Ambry Variant Classification Scheme 2023. Collection method: clinical testing. Allele origin: germline.